The following is an entry in ClinVar:

NM_175607.3(CNTN4):c.1877C>T (p.Pro626Leu)

Gene: CNTN4 (contactin 4; plus strand). Cytogenetic location: 3p26.2.
Variant type: single nucleotide variant.
Coding change: c.1877C>T on transcript NM_175607.3 (MANE Select); coding-DNA position 1877, C replaced by T.
Protein change: p.Pro626Leu; replaces proline 626 with leucine.
Molecular consequence: missense variant.
Genome position (GRCh38, 1-based): chr3:3,034,725, C>T. VCF-style: chr3-3034725-C-T. GRCh37 (hg19) VCF-style: chr3-3076409-C-T.
Other names: c.1877C>T, p.Pro626Leu (NM_001206955.2, NM_001350095.2); c.890C>T, p.Pro297Leu (NM_001206956.2); c.893C>T, p.Pro298Leu (NM_175613.3); short protein forms P297L, P298L, P626L.
Identifiers: ClinVar variation 2629866 (VCV002629866.1), dbSNP rs1157809059, ClinGen allele CA351445938.

ClinVar aggregate classification (germline): Uncertain significance (1 of 4 stars; one submission).

Conditions:
CNTN4-related disorder. Also called: CNTN4-related condition.

Submission:

PreventionGenetics, part of Exact Sciences
Classification: Uncertain significance for CNTN4-related condition. Last evaluated: 2023-01-24. Review status: criteria provided, single submitter. Criteria: ACMG Guidelines, 2015. Collection method: clinical testing. Allele origin: germline.
Comment: The CNTN4 c.1877C>T variant is predicted to result in the amino acid substitution p.Pro626Leu. To our knowledge, this variant has not been reported in the literature or in a large population database, indicating this variant is rare. At this time, the clinical significance of this variant is uncertain due to the absence of conclusive functional and genetic evidence.